The following is an entry in ClinVar:

ClinVar aggregate classification (germline): Pathogenic (1 of 4 stars; one submission).

Conditions:
Hypertrophic cardiomyopathy. Also called: HYPERTROPHIC MYOCARDIOPATHY. Identifiers: Orphanet 217569, MedGen C0007194, MeSH D002312, MONDO:0005045, HP:0001639.

Submission:

Labcorp Genetics (formerly Invitae), Labcorp
Classification: Pathogenic for Hypertrophic cardiomyopathy. Last evaluated: 2022-11-29. Review status: criteria provided, single submitter. Criteria: Invitae Variant Classification Sherloc (09022015). Collection method: clinical testing. Allele origin: germline.
Comment: For these reasons, this variant has been classified as Pathogenic. Advanced modeling of protein sequence and biophysical properties (such as structural, functional, and spatial information, amino acid conservation, physicochemical variation, residue mobility, and thermodynamic stability) performed at Invitae indicates that this missense variant is expected to disrupt MYH7 protein function. ClinVar contains an entry for this variant (Variation ID: 656014). This missense change has been observed in individuals with hypertrophic cardiomyopathy (PMID: 12820698, 32746448; Invitae). This variant is not present in population databases (gnomAD no frequency). This sequence change replaces glycine, which is neutral and non-polar, with arginine, which is basic and polar, at codon 571 of the MYH7 protein (p.Gly571Arg).

Literature cited by the submitters: PubMed 12820698; PubMed 32746448.

NM_000257.4(MYH7):c.1711G>C (p.Gly571Arg)

Gene: MYH7 (myosin heavy chain 7; minus strand). Cytogenetic location: 14q11.2.
Variant type: single nucleotide variant.
Coding change: c.1711G>C on transcript NM_000257.4 (MANE Select); coding-DNA position 1711, G replaced by C.
Protein change: p.Gly571Arg; replaces glycine 571 with arginine.
Molecular consequence: missense variant.
Genome position (GRCh38, 1-based): chr14:23,427,762, C>G on the plus strand (G>C on the coding strand, the complement: MYH7 is on the minus strand). VCF-style: chr14-23427762-C-G. GRCh37 (hg19) VCF-style: chr14-23896971-C-G.
Other names: short protein forms G571R.
Identifiers: ClinVar variation 656014 (VCV000656014.8), dbSNP rs730880879, ClinGen allele CA389049980.
Genomic context (GRCh38, chr14:23,427,762, plus strand): 5'-TGATGTTGTAGTCCACGATGCCGGCATAGTGGATCAGGGAGAAGTGGGCTTCAGGCTTCC[C>G]CTTGATATTGCGTGGCTTCTGGAAGTTGGCGGATTTGCCCAGGTGGTTGTCAAACAGCTT-3'
Protein context (NP_000248.2, residues 561-581): ANFQKPRNIK[Gly571Arg]KPEAHFSLIH